The following is an entry in ClinVar:

NM_006267.5(RANBP2):c.1294G>C (p.Gly432Arg)

Gene: RANBP2 (RAN binding protein 2; plus strand). Cytogenetic location: 2q13.
Variant type: single nucleotide variant.
Coding change: c.1294G>C on transcript NM_006267.5 (MANE Select); coding-DNA position 1294, G replaced by C.
Protein change: p.Gly432Arg; replaces glycine 432 with arginine.
Molecular consequence: missense variant.
Genome position (GRCh38, 1-based): chr2:108,751,284, G>C. VCF-style: chr2-108751284-G-C. GRCh37 (hg19) VCF-style: chr2-109367740-G-C.
Other names: short protein forms G432R.
Identifiers: ClinVar variation 1004440 (VCV001004440.5), dbSNP rs1675861391, ClinGen allele CA348048300.

ClinVar aggregate classification (germline): Uncertain significance (1 of 4 stars; one submission).

Conditions:
Familial acute necrotizing encephalopathy (IIAE3). Also called: ENCEPHALOPATHY, ACUTE, INFECTION-INDUCED, SUSCEPTIBILITY TO, 3; Susceptibility to Acute Necrotizing Encephalopathy 1. Identifiers: Orphanet 88619, MedGen C2675556, MONDO:0011953, OMIM 608033.

Allele frequency attached by ClinVar (database versions not stated): TOPMed below 0.00001.

Submission:

Labcorp Genetics (formerly Invitae), Labcorp
Classification: Uncertain significance for Familial acute necrotizing encephalopathy. Last evaluated: 2020-03-06. Review status: criteria provided, single submitter. Criteria: Invitae Variant Classification Sherloc (09022015). Collection method: clinical testing. Allele origin: germline.
Comment: This variant has not been reported in the literature in individuals with RANBP2-related conditions. In summary, the available evidence is currently insufficient to determine the role of this variant in disease. Therefore, it has been classified as a Variant of Uncertain Significance. Algorithms developed to predict the effect of missense changes on protein structure and function are either unavailable or do not agree on the potential impact of this missense change (SIFT: "Deleterious"; PolyPhen-2: "Benign"; Align-GVGD: "Class C65"). This variant is not present in population databases (ExAC no frequency). This sequence change replaces glycine with arginine at codon 432 of the RANBP2 protein (p.Gly432Arg). The glycine residue is highly conserved and there is a moderate physicochemical difference between glycine and arginine.